The following is an entry in ClinVar:

NM_000127.3(EXT1):c.2171T>C (p.Leu724Pro)

Gene: EXT1 (exostosin glycosyltransferase 1; minus strand). Cytogenetic location: 8q24.11.
Variant type: single nucleotide variant.
Coding change: c.2171T>C on transcript NM_000127.3 (MANE Select); coding-DNA position 2171, T replaced by C.
Protein change: p.Leu724Pro; replaces leucine 724 with proline.
Molecular consequence: missense variant.
Genome position (GRCh38, 1-based): chr8:117,799,782, A>G on the plus strand (T>C on the coding strand, the complement: EXT1 is on the minus strand). VCF-style: chr8-117799782-A-G. GRCh37 (hg19) VCF-style: chr8-118812021-A-G.
Other names: short protein forms L724P.
Identifiers: ClinVar variation 1439971 (VCV001439971.9), dbSNP rs758347621, ClinGen allele CA4853937.

ClinVar aggregate classification (germline): Uncertain significance. Review status: criteria provided, multiple submitters, no conflicts (2 of 4 stars). 2 submissions from 2 submitters: Uncertain significance (2). Last evaluated 2024-03-07.

Conditions:
Multiple congenital exostosis (EXT). Also called: Hereditary multiple exostoses; Hereditary multiple exostosis; Multiple exostoses; Multiple osteochondromas; MULTIPLE CARTILAGINOUS EXOSTOSES; Hereditary multiple osteochondromas. Identifiers: Orphanet 321, MedGen C0015306, MONDO:0005508, HP:0002762.

Allele frequency attached by ClinVar (database versions not stated): gnomAD exomes 0.00001 and 0.00002; ExAC 0.00002; gnomAD 0.00002; TOPMed 0.00003.
gnomAD v4.1: 29 of 1,614,054 alleles (0.0018%); highest among the groups gnomAD compares: Non-Finnish European, 0.0023%; no homozygotes.

Submissions (2):

Labcorp Genetics (formerly Invitae), Labcorp
Classification: Uncertain significance for Multiple congenital exostosis. Last evaluated: 2024-03-07. Review status: criteria provided, single submitter. Criteria: Invitae Variant Classification Sherloc (09022015). Collection method: clinical testing. Allele origin: germline.
Comment: This sequence change replaces leucine, which is neutral and non-polar, with proline, which is neutral and non-polar, at codon 724 of the EXT1 protein (p.Leu724Pro). This variant is present in population databases (rs758347621, gnomAD 0.003%). This variant has not been reported in the literature in individuals affected with EXT1-related conditions. ClinVar contains an entry for this variant (Variation ID: 1439971). Advanced modeling of protein sequence and biophysical properties (such as structural, functional, and spatial information, amino acid conservation, physicochemical variation, residue mobility, and thermodynamic stability) performed at Invitae indicates that this missense variant is expected to disrupt EXT1 protein function with a positive predictive value of 80%. In summary, the available evidence is currently insufficient to determine the role of this variant in disease. Therefore, it has been classified as a Variant of Uncertain Significance.

Breakthrough Genomics
Classification: Uncertain significance. Review status: criteria provided, single submitter. Criteria: ACMG Guidelines, 2015. Collection method: not provided. Allele origin: germline. Inheritance: Autosomal recessive inheritance. Affected: yes.